The following is an entry in ClinVar:

ClinVar aggregate classification (germline): Conflicting classifications of pathogenicity. Review status: criteria provided, conflicting classifications (1 of 4 stars). 4 submissions from 4 submitters: Uncertain significance (3); Benign (1). Last evaluated 2025-10-28.

Conditions:
Hereditary cancer-predisposing syndrome. Also called: Neoplastic Syndromes, Hereditary; Hereditary Cancer Syndrome; Hereditary neoplastic syndrome; Tumor predisposition. Identifiers: Orphanet 140162, MedGen C0027672, MeSH D009386, MONDO:0015356.
Fanconi anemia complementation group O. Also called: RAD51C-Related Fanconi Anemia. Identifiers: Orphanet 84, MedGen C3150653, MONDO:0013248, OMIM 613390.
Breast-ovarian cancer, familial, susceptibility to, 3. Also called: RAD51C-Related Breast/Ovarian Cancer. Identifiers: Orphanet 145, MedGen C3150659, MONDO:0013253, OMIM 613399.

Submissions (4):

Ambry Genetics
Classification: Benign for Hereditary cancer-predisposing syndrome. Last evaluated: 2025-10-28. Review status: criteria provided, single submitter. Criteria: Ambry Variant Classification Scheme 2023. Collection method: clinical testing. Allele origin: germline.

Labcorp Genetics (formerly Invitae), Labcorp
Classification: Uncertain significance for Fanconi anemia complementation group O. Last evaluated: 2024-07-02. Review status: criteria provided, single submitter. Criteria: Invitae Variant Classification Sherloc (09022015). Collection method: clinical testing. Allele origin: germline.
Comment: This sequence change replaces glutamine, which is neutral and polar, with lysine, which is basic and polar, at codon 268 of the RAD51C protein (p.Gln268Lys). This variant is not present in population databases (gnomAD no frequency). This variant has not been reported in the literature in individuals affected with RAD51C-related conditions. ClinVar contains an entry for this variant (Variation ID: 827406). Advanced modeling of protein sequence and biophysical properties (such as structural, functional, and spatial information, amino acid conservation, physicochemical variation, residue mobility, and thermodynamic stability) performed at Invitae indicates that this missense variant is not expected to disrupt RAD51C protein function with a negative predictive value of 80%. In summary, the available evidence is currently insufficient to determine the role of this variant in disease. Therefore, it has been classified as a Variant of Uncertain Significance.

Color Diagnostics, LLC DBA Color Health
Classification: Uncertain significance for Hereditary cancer-predisposing syndrome. Last evaluated: 2024-03-06. Review status: criteria provided, single submitter. Criteria: ACMG Guidelines, 2015. Collection method: clinical testing. Allele origin: germline.
Comment: This missense variant replaces glutamine with lysine at codon 268 of the RAD51C protein. Computational prediction suggests that this variant may not impact protein structure and function (internally defined REVEL score threshold <= 0.5, PMID: 27666373). To our knowledge, functional studies have not been reported for this variant. This variant has not been reported in individuals affected with hereditary cancer in the literature. This variant has not been identified in the general population by the Genome Aggregation Database (gnomAD). The available evidence is insufficient to determine the role of this variant in disease conclusively. Therefore, this variant is classified as a Variant of Uncertain Significance.

Fulgent Genetics
Classification: Uncertain significance for Fanconi anemia complementation group O; Breast-ovarian cancer, familial, susceptibility to, 3. Last evaluated: 2021-12-21. Review status: criteria provided, single submitter. Criteria: ACMG Guidelines, 2015. Collection method: clinical testing. Allele origin: unknown.

NM_058216.3(RAD51C):c.802C>A (p.Gln268Lys)

Gene: RAD51C (RAD51 paralog C; plus strand). Cytogenetic location: 17q22.
Variant type: single nucleotide variant.
Coding change: c.802C>A on transcript NM_058216.3 (MANE Select); coding-DNA position 802, C replaced by A.
Protein change: p.Gln268Lys; replaces glutamine 268 with lysine.
Molecular consequence: missense variant. On other transcripts: non-coding transcript variant (1).
Genome position (GRCh38, 1-based): chr17:58,709,955, C>A. VCF-style: chr17-58709955-C-A. GRCh37 (hg19) VCF-style: chr17-56787316-C-A.
Other names: short protein forms Q268K.
Identifiers: ClinVar variation 827406 (VCV000827406.17), dbSNP rs1567799818, ClinGen allele CA400354151.